The following is an entry in ClinVar:

NM_000264.5(PTCH1):c.332_333del (p.Ala111fs)

Gene: PTCH1 (patched 1; minus strand). Cytogenetic location: 9q22.32.
Variant type: Deletion.
Coding change: c.332_333del on transcript NM_000264.5 (MANE Select); coding-DNA positions 332 to 333, 2 bases deleted (CC; older notation c.332_333delCC).
Protein change: p.Ala111fs; shifts the reading frame from alanine 111.
Molecular consequence: frameshift variant. On other transcripts: 5 prime UTR variant (4), non-coding transcript variant (1).
Genome position (GRCh38, 1-based): chr9:95,506,468-95,506,469, GG deleted on the plus strand (CC on the coding strand, the reverse complement: PTCH1 is on the minus strand). VCF-style (leftmost placement, unchanged base first): chr9-95506467-AGG-A. GRCh37 (hg19) VCF-style: chr9-98268749-AGG-A.
Other names: c.134_135del, p.Ala45fs (NM_001083602.3, NM_001354919.2); c.329_330del, p.Ala110fs (NM_001083603.3); c.-122_-121del (NM_001083604.3, NM_001083605.3, NM_001083606.3 and 1 more transcripts); c.332_333del, p.Ala111fs (NM_001354918.2); short protein forms A110fs, A111fs, A45fs.
Identifiers: ClinVar variation 4083507 (VCV004083507.1).

ClinVar aggregate classification (germline): Likely pathogenic (1 of 4 stars; one submission).

Conditions:
Basal cell nevus syndrome 1 (BCNS1). Also called: GORLIN-GOLTZ SYNDROME; MULTIPLE BASAL CELL NEVI, ODONTOGENIC KERATOCYSTS, AND SKELETAL ANOMALIES. Identifiers: MedGen CN376810, MONDO:0958174, OMIM 109400.

Submission:

Department of Pediatric Genetics, University of Health Sciences, Ankara Bilkent City Children’s Hospital
Classification: Likely pathogenic for Basal cell nevus syndrome 1. Last evaluated: 2024-12-01. Review status: criteria provided, single submitter. Criteria: ACMG Guidelines, 2015. Collection method: clinical testing. Allele origin: maternal. Affected: yes.
Comment: The c.332_333del variant in the PTCH1 gene (NM_000264.5) is a frameshift located in exon 2 and has not been previously reported in ClinVar. This variant is predicted to result in loss of function due to a truncated or absent protein (PVS1). The allele frequency of this variant is not reported, and it is absent from population databases such as gnomAD (PM2). In summary, this variant meets the criteria to be classified as likely pathogenic for Basal cell nevus syndrome 1 (OMIM #109400), based on the ACMG guidelines (Richards et al., 2015), with supporting evidence from criteria PVS1, PM2, and PP1.